The following is an entry in ClinVar:

ClinVar aggregate classification (germline): Pathogenic (1 of 4 stars; one submission).

Conditions:
Primary ciliary dyskinesia 28. Also called: CILIARY DYSKINESIA, PRIMARY, 28, WITH OR WITHOUT SITUS INVERSUS. Identifiers: Orphanet 244, MedGen C3809706, MONDO:0014216, OMIM 615505.

Submission:

Labcorp Genetics (formerly Invitae), Labcorp
Classification: Pathogenic for Primary ciliary dyskinesia 28. Last evaluated: 2024-12-26. Review status: criteria provided, single submitter. Criteria: Invitae Variant Classification Sherloc (09022015). Collection method: clinical testing. Allele origin: germline.
Comment: This sequence change creates a premature translational stop signal (p.Ala374Glyfs*111) in the SPAG1 gene. It is expected to result in an absent or disrupted protein product. Loss-of-function variants in SPAG1 are known to be pathogenic (PMID: 24055112). This variant is not present in population databases (gnomAD no frequency). This variant has not been reported in the literature in individuals affected with SPAG1-related conditions. For these reasons, this variant has been classified as Pathogenic.

Literature cited by the submitters: PubMed 24055112.

NM_003114.5(SPAG1):c.1111_1120dup (p.Ala374fs)

Gene: SPAG1 (sperm associated antigen 1; plus strand). Cytogenetic location: 8q22.2.
Variant type: Duplication.
Coding change: c.1111_1120dup on transcript NM_003114.5 (MANE Select); coding-DNA positions 1111 to 1120, 10 bases duplicated (GCGGGAGCCG; older notation c.1111_1120dupGCGGGAGCCG).
Protein change: p.Ala374fs; shifts the reading frame from alanine 374.
Molecular consequence: frameshift variant.
Genome position (GRCh38, 1-based): chr8:100,213,104-100,213,113, GCGGGAGCCG duplicated; duplicating any 10 consecutive bases within chr8:100,213,097-100,213,113 gives the same sequence; the c. name uses the placement nearest the transcript's 3' end. VCF-style (leftmost placement, unchanged base first): chr8-100213096-C-CGGAGCCGGCG. GRCh37 (hg19) VCF-style: chr8-101225324-C-CGGAGCCGGCG.
Other names: c.1111_1120dup, p.Ala374fs (NM_001374321.1, NM_172218.3); short protein forms A374fs.
Identifiers: ClinVar variation 3619652 (VCV003619652.2).